The following is an entry in ClinVar:

NM_001267550.2(TTN):c.83653G>T (p.Glu27885Ter)

Genes: TTN (titin; minus strand), TTN-AS1 (TTN antisense RNA 1; plus strand). Cytogenetic location: 2q31.2.
Variant type: single nucleotide variant.
Coding change: c.83653G>T on transcript NM_001267550.2 (MANE Select); coding-DNA position 83653, G replaced by T.
Protein change: p.Glu27885Ter; replaces glutamic acid 27885 with a stop codon.
Molecular consequence: nonsense.
Genome position (GRCh38, 1-based): chr2:178,562,479, C>A on the plus strand (G>T on the coding strand, the complement: TTN is on the minus strand). VCF-style: chr2-178562479-C-A. GRCh37 (hg19) VCF-style: chr2-179427206-C-A.
Other names: p.E26244*:GAG>TAG; c.78730G>T, p.Glu26244Ter (NM_001256850.1); c.56458G>T, p.Glu18820Ter (NM_003319.4); c.75949G>T, p.Glu25317Ter (NM_133378.4); c.56833G>T, p.Glu18945Ter (NM_133432.3); c.57034G>T, p.Glu19012Ter (NM_133437.4); short protein forms E26244*, E27885*, E19012*, E25317*, E18945*, E18820*.
Identifiers: ClinVar variation 202418 (VCV000202418.7), dbSNP rs794729295, ClinGen allele CA309349.

ClinVar aggregate classification (germline): Likely pathogenic. Review status: criteria provided, multiple submitters, no conflicts (2 of 4 stars). 2 submissions from 2 submitters: Likely pathogenic (2). Last evaluated 2025-01-14.

Conditions:
Dilated cardiomyopathy 1G (CMD1G). Identifiers: Orphanet 154, MedGen C1858763, MONDO:0011400, OMIM 604145.
Autosomal recessive limb-girdle muscular dystrophy type 2J (LGMDR10). Also called: MUSCULAR DYSTROPHY, LIMB-GIRDLE, AUTOSOMAL RECESSIVE 10; Limb-girdle muscular dystrophy, type 2J. Identifiers: Orphanet 140922, MedGen C1837342, MONDO:0012127, OMIM 608807.

Submissions (2):

GeneDx
Classification: Likely pathogenic. Last evaluated: 2025-01-14. Review status: criteria provided, single submitter. Criteria: GeneDx Variant Classification Process June 2021. Collection method: clinical testing. Allele origin: germline. Affected: yes.
Comment: Nonsense variant predicted to result in protein truncation or nonsense mediated decay in a gene for which loss of function is a known mechanism of disease; Not observed at significant frequency in large population cohorts (gnomAD); Has not been previously published as pathogenic or benign to our knowledge; Located in the A-band, a region of TTN for which truncating variants are significantly associated with autosomal dominant cardiomyopathy and also with autosomal recessive skeletal myopathies (PMID: 22335739, 32778822); This variant is associated with the following publications: (PMID: 22335739, 32778822)

Labcorp Genetics (formerly Invitae), Labcorp
Classification: Likely pathogenic for Dilated cardiomyopathy 1G; Autosomal recessive limb-girdle muscular dystrophy type 2J. Last evaluated: 2024-01-27. Review status: criteria provided, single submitter. Criteria: Invitae Variant Classification Sherloc (09022015). Collection method: clinical testing. Allele origin: germline.
Comment: This sequence change creates a premature translational stop signal (p.Glu27885*) in the TTN gene. While this is not anticipated to result in nonsense mediated decay, it is expected to create a truncated TTN protein. This variant is not present in population databases (gnomAD no frequency). This premature translational stop signal has been observed in individual(s) with dilated cardiomyopathy (Invitae). ClinVar contains an entry for this variant (Variation ID: 202418). This variant is located in the A band of TTN (PMID: 25589632). Truncating variants in this region are significantly overrepresented in patients affected with dilated cardiomyopathy (PMID: 25589632). Truncating variants in this region have also been reported in individuals affected with autosomal recessive centronuclear myopathy (PMID: 23975875). In summary, the currently available evidence indicates that the variant is pathogenic, but additional data are needed to prove that conclusively. Therefore, this variant has been classified as Likely Pathogenic.

Literature cited by the submitters: PubMed 25589632 (cited by Labcorp Genetics (formerly Invitae), Labcorp); PubMed 23975875 (cited by Labcorp Genetics (formerly Invitae), Labcorp).